The following is an entry in ClinVar:

ClinVar aggregate classification (germline): Uncertain significance (1 of 4 stars; one submission).

Allele frequency attached by ClinVar (database versions not stated): TOPMed below 0.00001; gnomAD 0.00001; gnomAD exomes 0.00001.
gnomAD v4.1: 5 of 1,614,172 alleles (0.00031%); highest among the groups gnomAD compares: African/African-American, 0.0027%; no homozygotes.

Submission:

Labcorp Genetics (formerly Invitae), Labcorp
Classification: Uncertain significance. Last evaluated: 2022-02-24. Review status: criteria provided, single submitter. Criteria: Invitae Variant Classification Sherloc (09022015). Collection method: clinical testing. Allele origin: germline.
Comment: In summary, the available evidence is currently insufficient to determine the role of this variant in disease. Therefore, it has been classified as a Variant of Uncertain Significance. Algorithms developed to predict the effect of sequence changes on RNA splicing suggest that this variant may create or strengthen a splice site. Algorithms developed to predict the effect of missense changes on protein structure and function output the following: SIFT: "Tolerated"; PolyPhen-2: "Benign"; Align-GVGD: "Class C0". The serine amino acid residue is found in multiple mammalian species, which suggests that this missense change does not adversely affect protein function. This variant has not been reported in the literature in individuals affected with CNNM4-related conditions. This variant is present in population databases (no rsID available, gnomAD 0.02%). This sequence change replaces asparagine, which is neutral and polar, with serine, which is neutral and polar, at codon 395 of the CNNM4 protein (p.Asn395Ser).

NM_020184.4(CNNM4):c.1184A>G (p.Asn395Ser)

Gene: CNNM4 (cyclin and CBS domain divalent metal cation transport mediator 4; plus strand). Cytogenetic location: 2q11.2.
Variant type: single nucleotide variant.
Coding change: c.1184A>G on transcript NM_020184.4 (MANE Select); coding-DNA position 1184, A replaced by G.
Protein change: p.Asn395Ser; replaces asparagine 395 with serine.
Molecular consequence: missense variant.
Genome position (GRCh38, 1-based): chr2:96,762,183, A>G. VCF-style: chr2-96762183-A-G. GRCh37 (hg19) VCF-style: chr2-97427920-A-G.
Other names: short protein forms N395S.
Identifiers: ClinVar variation 1421186 (VCV001421186.8), dbSNP rs1176714318, ClinGen allele CA347716758.